The following is an entry in ClinVar:

NM_015294.6(TRIM37):c.2678C>T (p.Ser893Leu)

Gene: TRIM37 (tripartite motif containing 37; minus strand). Cytogenetic location: 17q22.
Variant type: single nucleotide variant.
Coding change: c.2678C>T on transcript NM_015294.6 (MANE Select); coding-DNA position 2678, C replaced by T.
Protein change: p.Ser893Leu; replaces serine 893 with leucine.
Molecular consequence: missense variant. On other transcripts: non-coding transcript variant (2).
Genome position (GRCh38, 1-based): chr17:59,012,345, G>A on the plus strand (C>T on the coding strand, the complement: TRIM37 is on the minus strand). VCF-style: chr17-59012345-G-A. GRCh37 (hg19) VCF-style: chr17-57089706-G-A.
Other names: c.2678C>T, p.Ser893Leu (NM_001005207.5, NM_001320988.3, NM_001320989.3 and 1 more transcripts); c.2576C>T, p.Ser859Leu (NM_001320987.3, NM_001353082.2); c.2312C>T, p.Ser771Leu (NM_001320990.3); c.1943C>T, p.Ser648Leu (NM_001353083.2); c.2216C>T, p.Ser739Leu (NM_001353085.2); c.2627C>T, p.Ser876Leu (NM_001353086.2); short protein forms S648L, S876L, S739L, S771L, S859L, S893L.
Identifiers: ClinVar variation 2054468 (VCV002054468.1), dbSNP rs1156783831, ClinGen allele CA400770273.

ClinVar aggregate classification (germline): Uncertain significance (1 of 4 stars; one submission).

Allele frequency attached by ClinVar (database versions not stated): gnomAD 0.00001; gnomAD exomes 0.00001; TOPMed 0.00001.
gnomAD v4.1: 17 of 1,611,412 alleles (0.0011%); highest among the groups gnomAD compares: Admixed American, 0.0017%; no homozygotes.

Submission:

Labcorp Genetics (formerly Invitae), Labcorp
Classification: Uncertain significance. Last evaluated: 2022-04-18. Review status: criteria provided, single submitter. Criteria: Invitae Variant Classification Sherloc (09022015). Collection method: clinical testing. Allele origin: germline.
Comment: This sequence change replaces serine, which is neutral and polar, with leucine, which is neutral and non-polar, at codon 893 of the TRIM37 protein (p.Ser893Leu). This variant is present in population databases (no rsID available, gnomAD 0.003%). This variant has not been reported in the literature in individuals affected with TRIM37-related conditions. Algorithms developed to predict the effect of missense changes on protein structure and function are either unavailable or do not agree on the potential impact of this missense change (SIFT: "Not Available"; PolyPhen-2: "Benign"; Align-GVGD: "Not Available"). In summary, the available evidence is currently insufficient to determine the role of this variant in disease. Therefore, it has been classified as a Variant of Uncertain Significance.